The following is an entry in ClinVar:

ClinVar aggregate classification (germline): Uncertain significance (1 of 4 stars; one submission).

Submission:

Labcorp Genetics (formerly Invitae), Labcorp
Classification: Uncertain significance. Last evaluated: 2024-02-15. Review status: criteria provided, single submitter. Criteria: Invitae Variant Classification Sherloc (09022015). Collection method: clinical testing. Allele origin: germline.
Comment: This sequence change replaces threonine, which is neutral and polar, with isoleucine, which is neutral and non-polar, at codon 137 of the EFNB1 protein (p.Thr137Ile). This variant is not present in population databases (gnomAD no frequency). This variant has not been reported in the literature in individuals affected with EFNB1-related conditions. Advanced modeling of protein sequence and biophysical properties (such as structural, functional, and spatial information, amino acid conservation, physicochemical variation, residue mobility, and thermodynamic stability) performed at Invitae indicates that this missense variant is expected to disrupt EFNB1 protein function with a positive predictive value of 80%. In summary, the available evidence is currently insufficient to determine the role of this variant in disease. Therefore, it has been classified as a Variant of Uncertain Significance.

NM_004429.5(EFNB1):c.410C>T (p.Thr137Ile)

Gene: EFNB1 (ephrin B1; plus strand). Cytogenetic location: Xq13.1.
Variant type: single nucleotide variant.
Coding change: c.410C>T on transcript NM_004429.5 (MANE Select); coding-DNA position 410, C replaced by T.
Protein change: p.Thr137Ile; replaces threonine 137 with isoleucine.
Molecular consequence: missense variant.
Genome position (GRCh38, 1-based): chrX:68,839,667, C>T. VCF-style: chrX-68839667-C-T. GRCh37 (hg19) VCF-style: chrX-68059510-C-T.
Other names: short protein forms T137I.
Identifiers: ClinVar variation 3641001 (VCV003641001.2).